The following is an entry in ClinVar:

NM_000135.4(FANCA):c.565G>C (p.Gly189Arg)

Gene: FANCA (FA complementation group A; minus strand). Cytogenetic location: 16q24.3.
Variant type: single nucleotide variant.
Coding change: c.565G>C on transcript NM_000135.4 (MANE Select); coding-DNA position 565, G replaced by C.
Protein change: p.Gly189Arg; replaces glycine 189 with arginine.
Molecular consequence: missense variant.
Genome position (GRCh38, 1-based): chr16:89,808,325, C>G on the plus strand (G>C on the coding strand, the complement: FANCA is on the minus strand). VCF-style: chr16-89808325-C-G. GRCh37 (hg19) VCF-style: chr16-89874733-C-G.
Other names: c.565G>C, p.Gly189Arg (NM_001018112.3, NM_001286167.3); c.469G>C, p.Gly157Arg (NM_001351830.2); short protein forms G189R, G157R.
Identifiers: ClinVar variation 1509547 (VCV001509547.6), dbSNP rs2143657111, ClinGen allele CA397479256.

ClinVar aggregate classification (germline): Uncertain significance (1 of 4 stars; one submission).

Conditions:
Fanconi anemia (FA). Also called: Fanconi's anemia. Identifiers: Orphanet 84, MedGen C0015625, MeSH D005199, MONDO:0019391.

Submission:

Labcorp Genetics (formerly Invitae), Labcorp
Classification: Uncertain significance for Fanconi anemia. Last evaluated: 2022-02-09. Review status: criteria provided, single submitter. Criteria: Invitae Variant Classification Sherloc (09022015). Collection method: clinical testing. Allele origin: germline.
Comment: In summary, the available evidence is currently insufficient to determine the role of this variant in disease. Therefore, it has been classified as a Variant of Uncertain Significance. Advanced modeling of protein sequence and biophysical properties (such as structural, functional, and spatial information, amino acid conservation, physicochemical variation, residue mobility, and thermodynamic stability) performed at Invitae indicates that this missense variant is not expected to disrupt FANCA protein function. This variant has not been reported in the literature in individuals affected with FANCA-related conditions. This variant is not present in population databases (gnomAD no frequency). This sequence change replaces glycine, which is neutral and non-polar, with arginine, which is basic and polar, at codon 189 of the FANCA protein (p.Gly189Arg).